The following is an entry in ClinVar:

NM_001368809.2(AMPD2):c.640C>T (p.Arg214Cys)

Gene: AMPD2 (adenosine monophosphate deaminase 2; plus strand). Cytogenetic location: 1p13.3.
Variant type: single nucleotide variant.
Coding change: c.640C>T on transcript NM_001368809.2 (MANE Select); coding-DNA position 640, C replaced by T.
Protein change: p.Arg214Cys; replaces arginine 214 with cysteine.
Molecular consequence: missense variant.
Genome position (GRCh38, 1-based): chr1:109,626,834, C>T. VCF-style: chr1-109626834-C-T. GRCh37 (hg19) VCF-style: chr1-110169456-C-T.
Other names: c.802C>T (NM_004037.6); c.802C>T, p.Arg268Cys (NM_001257360.2); c.448C>T, p.Arg150Cys (NM_001257361.2); c.577C>T, p.Arg193Cys (NM_001308170.1); c.640C>T, p.Arg214Cys (NM_004037.9); c.559C>T, p.Arg187Cys (NM_139156.4); short protein forms R150C, R268C, R187C, R193C, R214C.
Identifiers: ClinVar variation 2069799 (VCV002069799.3), dbSNP rs537803992, ClinGen allele CA992863.

ClinVar aggregate classification (germline): Uncertain significance. Review status: criteria provided, multiple submitters, no conflicts (2 of 4 stars). 2 submissions from 2 submitters: Uncertain significance (2). Last evaluated 2026-04-27.

Conditions:
Pontocerebellar hypoplasia type 9. Identifiers: Orphanet 369920, MedGen C4014354, MONDO:0014351, OMIM 615809.
Hereditary spastic paraplegia 63. Also called: Spastic paraplegia 63, autosomal recessive. Identifiers: Orphanet 401805, MedGen C3810295, MONDO:0014305, OMIM 615686.
Inborn genetic diseases. Identifiers: MedGen C0950123, MeSH D030342.

Allele frequency attached by ClinVar (database versions not stated): gnomAD 0.00003; TOPMed 0.00003; ExAC 0.00002; 1000 Genomes Project 30x 0.00016; 1000 Genomes Project 0.00020.
gnomAD v4.1: 17 of 1,613,866 alleles (0.0011%); highest among the groups gnomAD compares: African/African-American, 0.004%; no homozygotes.

Submissions (2):

Ambry Genetics
Classification: Uncertain significance for Inborn genetic diseases. Last evaluated: 2026-04-27. Review status: criteria provided, single submitter. Criteria: Ambry Variant Classification Scheme 2023. Collection method: clinical testing. Allele origin: germline.
Comment: The c.802C>T (p.R268C) alteration is located in exon 6 (coding exon 6) of the AMPD2 gene. This alteration results from a C to T substitution at nucleotide position 802, causing the arginine (R) at amino acid position 268 to be replaced by a cysteine (C). Based on data from gnomAD, the T allele has an overall frequency of 0.001% (4/282402) total alleles studied. The highest observed frequency was 0.008% (2/24872) of African alleles. Based on insufficient or conflicting evidence, the clinical significance of this alteration remains unclear.

Labcorp Genetics (formerly Invitae), Labcorp
Classification: Uncertain significance for Pontocerebellar hypoplasia type 9; Hereditary spastic paraplegia 63. Last evaluated: 2022-07-20. Review status: criteria provided, single submitter. Criteria: Invitae Variant Classification Sherloc (09022015). Collection method: clinical testing. Allele origin: germline.
Comment: This variant has not been reported in the literature in individuals affected with AMPD2-related conditions. This variant is present in population databases (rs537803992, gnomAD 0.008%). This sequence change replaces arginine, which is basic and polar, with cysteine, which is neutral and slightly polar, at codon 268 of the AMPD2 protein (p.Arg268Cys). In summary, the available evidence is currently insufficient to determine the role of this variant in disease. Therefore, it has been classified as a Variant of Uncertain Significance. Algorithms developed to predict the effect of missense changes on protein structure and function (SIFT, PolyPhen-2, Align-GVGD) all suggest that this variant is likely to be disruptive.